The following is an entry in ClinVar:

NM_205850.3(SLC24A5):c.590+4A>G

Genes: MYEF2 (myelin expression factor 2; minus strand), SLC24A5 (solute carrier family 24 member 5; plus strand). Cytogenetic location: 15q21.1.
Variant type: single nucleotide variant.
Coding change: c.590+4A>G on transcript NM_205850.3 (MANE Select); 4 bases into the intron after coding-DNA position 590, A replaced by G.
Molecular consequence: intron variant. On other transcripts: 3 prime UTR variant (2).
Genome position (GRCh38, 1-based): chr15:48,134,988, A>G. VCF-style: chr15-48134988-A-G. GRCh37 (hg19) VCF-style: chr15-48427185-A-G.
Other names: c.*7920T>C (NM_001301210.2, NM_016132.5).
Identifiers: ClinVar variation 1508577 (VCV001508577.6), dbSNP rs530184161, ClinGen allele CA7545911.

ClinVar aggregate classification (germline): Pathogenic (1 of 4 stars; one submission).

Allele frequency attached by ClinVar (database versions not stated): ExAC 0.00001; gnomAD 0.00003; gnomAD exomes 0.00003 and 0.00007; TOPMed 0.00003; 1000 Genomes Project 0.00020; 1000 Genomes Project 30x 0.00031.
gnomAD v4.1: 107 of 1,587,892 alleles (0.0067%); highest among the groups gnomAD compares: Non-Finnish European, 0.009%; no homozygotes.

Submission:

Labcorp Genetics (formerly Invitae), Labcorp
Classification: Pathogenic. Last evaluated: 2023-10-02. Review status: criteria provided, single submitter. Criteria: Invitae Variant Classification Sherloc (09022015). Collection method: clinical testing. Allele origin: germline.
Comment: This sequence change falls in intron 5 of the SLC24A5 gene. It does not directly change the encoded amino acid sequence of the SLC24A5 protein. It affects a nucleotide within the consensus splice site. This variant is present in population databases (rs530184161, gnomAD 0.005%). This variant has been observed in individual(s) with oculocutaneous albinism (PMID: 29345414). ClinVar contains an entry for this variant (Variation ID: 1508577). Variants that disrupt the consensus splice site are a relatively common cause of aberrant splicing (PMID: 17576681, 9536098). Algorithms developed to predict the effect of sequence changes on RNA splicing suggest that this variant may disrupt the consensus splice site. For these reasons, this variant has been classified as Pathogenic.

Literature cited by the submitters: PubMed 29345414; PubMed 17576681; PubMed 9536098.